The following is an entry in ClinVar:

ClinVar aggregate classification (germline): Likely benign. Review status: criteria provided, multiple submitters, no conflicts (2 of 4 stars). 2 submissions from 2 submitters: Likely benign (2). Last evaluated 2024-03-09.

Conditions:
Brown-Vialetto-van Laere syndrome 1. Also called: BROWN-VIALETTO-VAN LAERE SYNDROME 1, MILD; BULBAR PALSY, PROGRESSIVE, WITH SENSORINEURAL DEAFNESS; PONTOBULBAR PALSY WITH DEAFNESS. Identifiers: Orphanet 572550, Orphanet 97229, MedGen C0796274, MONDO:0024537, OMIM 211530.

Allele frequency attached by ClinVar (database versions not stated): ExAC 0.00001; TOPMed 0.00002; gnomAD exomes 0.00001.
gnomAD v4.1: 16 of 1,614,164 alleles (0.00099%); highest among the groups gnomAD compares: African/African-American, 0.0067%; no homozygotes.

Submissions (2):

Labcorp Genetics (formerly Invitae), Labcorp
Classification: Likely benign for Brown-Vialetto-van Laere syndrome 1. Last evaluated: 2024-03-09. Review status: criteria provided, single submitter. Criteria: Invitae Variant Classification Sherloc (09022015). Collection method: clinical testing. Allele origin: germline.

Laboratory for Molecular Medicine, Mass General Brigham Personalized Medicine
Classification: Likely benign. Last evaluated: 2017-08-23. Review status: criteria provided, single submitter. Criteria: LMM Criteria. Collection method: clinical testing. Allele origin: germline. Observed: 1 variant allele.
Comment: p.Phe309Phe in exon 3 of SLC52A3: This variant is not expected to have clinical significance because it does not alter an amino acid residue and is not located within the splice consensus sequence. It has been identified in 1/66692 European chromosomes by the Exome Aggregation Consortium (ExAC; dbSNP rs781422986).

NM_033409.4(SLC52A3):c.927C>T (p.Phe309=)

Gene: SLC52A3 (solute carrier family 52 member 3; minus strand). Cytogenetic location: 20p13.
Variant type: single nucleotide variant.
Coding change: c.927C>T on transcript NM_033409.4 (MANE Select); coding-DNA position 927, C replaced by T.
Protein change: p.Phe309=; no amino-acid change (phenylalanine 309 retained).
Molecular consequence: synonymous variant.
Genome position (GRCh38, 1-based): chr20:763,644, G>A on the plus strand (C>T on the coding strand, the complement: SLC52A3 is on the minus strand). VCF-style: chr20-763644-G-A. GRCh37 (hg19) VCF-style: chr20-744288-G-A.
Other names: c.927C>T, p.Phe309= (NM_001370085.1, NM_001370086.1).
Identifiers: ClinVar variation 929977 (VCV000929977.6), dbSNP rs781422986, ClinGen allele CA9724650.